The following is an entry in ClinVar:

NM_021942.6(TRAPPC11):c.1745A>G (p.Gln582Arg)

Gene: TRAPPC11 (trafficking protein particle complex subunit 11; plus strand). Cytogenetic location: 4q35.1.
Variant type: single nucleotide variant.
Coding change: c.1745A>G on transcript NM_021942.6 (MANE Select); coding-DNA position 1745, A replaced by G.
Protein change: p.Gln582Arg; replaces glutamine 582 with arginine.
Molecular consequence: missense variant.
Genome position (GRCh38, 1-based): chr4:183,685,386, A>G. VCF-style: chr4-183685386-A-G. GRCh37 (hg19) VCF-style: chr4-184606539-A-G.
Other names: c.1745A>G, p.Gln582Arg (NM_199053.3); short protein forms Q582R.
Identifiers: ClinVar variation 1187652 (VCV001187652.7), dbSNP rs533474499, ClinGen allele CA3152003.
Genomic context (GRCh38, chr4:183,685,386, plus strand): 5'-AGAAGCTGTGGGCAGACCGAATTTCTCTGGCTGGCAGCAATATTTTCACAATAGGAGTAC[A>G]GGACTTTGTGCCATTTGGTAGGTAGCTAACATCTACAGTACTATTTCAGAGAAATTGTCT-3'
Protein context (NP_068761.4, residues 572-592): AGSNIFTIGV[Gln582Arg]DFVPFVQCKA

ClinVar aggregate classification (germline): Uncertain significance. Review status: criteria provided, multiple submitters, no conflicts (2 of 4 stars). 3 submissions from 3 submitters: Uncertain significance (3). Last evaluated 2023-05-25.

Conditions:
Autosomal recessive limb-girdle muscular dystrophy type R18 (LGMDR18). Also called: MUSCULAR DYSTROPHY, LIMB-GIRDLE, AUTOSOMAL RECESSIVE 18; Autosomal recessive limb-girdle muscular dystrophy type 2S; Limb-girdle muscular dystrophy, type 2S. Identifiers: Orphanet 369840, MedGen C4517996, MONDO:0014144, OMIM 615356.

Allele frequency attached by ClinVar (database versions not stated): TOPMed 0.00002; ExAC 0.00004; gnomAD exomes 0.00005 and 0.00006; 1000 Genomes Project 30x 0.00016; 1000 Genomes Project 0.00020.
gnomAD v4.1: 75 of 1,613,846 alleles (0.0046%); highest among the groups gnomAD compares: South Asian, 0.08%; no homozygotes.

Submissions (3):

Revvity Omics, Revvity
Classification: Uncertain significance for Autosomal recessive limb-girdle muscular dystrophy type R18. Last evaluated: 2023-05-25. Review status: criteria provided, single submitter. Criteria: ACMG Guidelines, 2015. Collection method: clinical testing. Allele origin: germline.

Labcorp Genetics (formerly Invitae), Labcorp
Classification: Uncertain significance for Autosomal recessive limb-girdle muscular dystrophy type R18. Last evaluated: 2022-08-31. Review status: criteria provided, single submitter. Criteria: Invitae Variant Classification Sherloc (09022015). Collection method: clinical testing. Allele origin: germline.
Comment: This sequence change replaces glutamine, which is neutral and polar, with arginine, which is basic and polar, at codon 582 of the TRAPPC11 protein (p.Gln582Arg). This variant is present in population databases (rs533474499, gnomAD 0.05%). This variant has not been reported in the literature in individuals affected with TRAPPC11-related conditions. ClinVar contains an entry for this variant (Variation ID: 1187652). Algorithms developed to predict the effect of missense changes on protein structure and function (SIFT, PolyPhen-2, Align-GVGD) all suggest that this variant is likely to be tolerated. In summary, the available evidence is currently insufficient to determine the role of this variant in disease. Therefore, it has been classified as a Variant of Uncertain Significance.

GeneDx
Classification: Uncertain significance. Last evaluated: 2020-12-04. Review status: criteria provided, single submitter. Criteria: GeneDx Variant Classification Process June 2021. Collection method: clinical testing. Allele origin: germline. Affected: yes.
Comment: In silico analysis supports that this missense variant does not alter protein structure/function; Has not been previously published as pathogenic or benign to our knowledge